The following is an entry in ClinVar:

NM_022725.4(FANCF):c.801C>A (p.His267Gln)

Gene: FANCF (FA complementation group F; minus strand). Cytogenetic location: 11p14.3.
Variant type: single nucleotide variant.
Coding change: c.801C>A on transcript NM_022725.4 (MANE Select); coding-DNA position 801, C replaced by A.
Protein change: p.His267Gln; replaces histidine 267 with glutamine.
Molecular consequence: missense variant.
Genome position (GRCh38, 1-based): chr11:22,625,010, G>T on the plus strand (C>A on the coding strand, the complement: FANCF is on the minus strand). VCF-style: chr11-22625010-G-T. GRCh37 (hg19) VCF-style: chr11-22646556-G-T.
Other names: short protein forms H267Q.
Identifiers: ClinVar variation 1319635 (VCV001319635.10), dbSNP rs762356967, ClinGen allele CA5924258.
Genomic context (GRCh38, chr11:22,625,010, plus strand): 5'-ATAGTGCAAACGTTGACCCCAGTCTGTTAGCAGACCCAGATAGACAGGAGACAGCGCTGG[G>T]TGGCGGCTAGTCACTAAAGTCAAAAGCCCGGCTGGGAGGGCGCGACAAAAGGCAGCAAAG-3'
Protein context (NP_073562.1, residues 257-277): AGLLTLVTSR[His267Gln]PALSPVYLGL

ClinVar aggregate classification (germline): Uncertain significance. Review status: criteria provided, multiple submitters, no conflicts (2 of 4 stars). 3 submissions from 3 submitters: Uncertain significance (3). Last evaluated 2024-07-11.

Conditions:
Fanconi anemia complementation group F. Also called: FANCF-Related Fanconi Anemia. Identifiers: Orphanet 84, MedGen C3469526, MONDO:0011325, OMIM 603467.
Fanconi anemia (FA). Also called: Fanconi's anemia. Identifiers: Orphanet 84, MedGen C0015625, MeSH D005199, MONDO:0019391.

Submissions (3):

Labcorp Genetics (formerly Invitae), Labcorp
Classification: Uncertain significance for Fanconi anemia. Last evaluated: 2024-07-11. Review status: criteria provided, single submitter. Criteria: Invitae Variant Classification Sherloc (09022015). Collection method: clinical testing. Allele origin: germline.
Comment: This sequence change replaces histidine, which is basic and polar, with glutamine, which is neutral and polar, at codon 267 of the FANCF protein (p.His267Gln). This variant is present in population databases (rs762356967, gnomAD 0.005%). This variant has not been reported in the literature in individuals affected with FANCF-related conditions. ClinVar contains an entry for this variant (Variation ID: 1319635). Advanced modeling of protein sequence and biophysical properties (such as structural, functional, and spatial information, amino acid conservation, physicochemical variation, residue mobility, and thermodynamic stability) performed at Invitae indicates that this missense variant is not expected to disrupt FANCF protein function with a negative predictive value of 80%. In summary, the available evidence is currently insufficient to determine the role of this variant in disease. Therefore, it has been classified as a Variant of Uncertain Significance.

Baylor Genetics
Classification: Uncertain significance for Fanconi anemia complementation group F. Last evaluated: 2024-01-26. Review status: criteria provided, single submitter. Criteria: ACMG Guidelines, 2015. Collection method: clinical testing. Allele origin: unknown.

Institute for Clinical Genetics, University Hospital TU Dresden, University Hospital TU Dresden
Classification: Uncertain significance. Last evaluated: 2021-11-03. Review status: criteria provided, single submitter. Criteria: ACMG Guidelines, 2015. Collection method: clinical testing. Allele origin: germline.